The following is an entry in ClinVar:

NM_000535.7(PMS2):c.2276C>T (p.Ala759Val)

Gene: PMS2 (PMS1 homolog 2, mismatch repair system component; minus strand). Cytogenetic location: 7p22.1.
Variant type: single nucleotide variant.
Coding change: c.2276C>T on transcript NM_000535.7 (MANE Select); coding-DNA position 2276, C replaced by T.
Protein change: p.Ala759Val; replaces alanine 759 with valine.
Molecular consequence: missense variant.
Genome position (GRCh38, 1-based): chr7:5,977,757, G>A on the plus strand (C>T on the coding strand, the complement: PMS2 is on the minus strand). VCF-style: chr7-5977757-G-A. GRCh37 (hg19) VCF-style: chr7-6017388-G-A.
Other names: c.2276C>T (NM_000535.6); c.1871C>T, p.Ala624Val (NM_001322003.2, NM_001322004.2, NM_001322005.2); c.2120C>T, p.Ala707Val (NM_001322006.2); c.1958C>T, p.Ala653Val (NM_001322007.2, NM_001322008.2); c.1904C>T, p.Ala635Val (NM_001322009.2); c.1715C>T, p.Ala572Val (NM_001322010.2); c.1343C>T, p.Ala448Val (NM_001322011.2, NM_001322012.2); c.1703C>T, p.Ala568Val (NM_001322013.2); and 2 more; short protein forms A568V, A656V, A759V, A448V, A572V, A624V, A707V, A635V.
Identifiers: ClinVar variation 838335 (VCV000838335.10), dbSNP rs1219434769, ClinGen allele CA366736203.

ClinVar aggregate classification (germline): Uncertain significance. Review status: criteria provided, multiple submitters, no conflicts (2 of 4 stars). 3 submissions from 3 submitters: Uncertain significance (3). Last evaluated 2025-09-27.

Conditions:
Hereditary nonpolyposis colorectal neoplasms. Identifiers: MedGen C0009405, MeSH D003123.
PMS2-related disorder. Also called: PMS2-related condition.
Hereditary cancer-predisposing syndrome. Also called: Neoplastic Syndromes, Hereditary; Tumor predisposition; Hereditary neoplastic syndrome; Hereditary Cancer Syndrome. Identifiers: Orphanet 140162, MedGen C0027672, MeSH D009386, MONDO:0015356.

Submissions (3):

Labcorp Genetics (formerly Invitae), Labcorp
Classification: Uncertain significance for Hereditary nonpolyposis colorectal neoplasms. Last evaluated: 2025-09-27. Review status: criteria provided, single submitter. Criteria: Invitae Variant Classification Sherloc (09022015). Collection method: clinical testing. Allele origin: germline.
Comment: This sequence change replaces alanine, which is neutral and non-polar, with valine, which is neutral and non-polar, at codon 759 of the PMS2 protein (p.Ala759Val). The frequency data for this variant in the population databases (gnomAD) is considered unreliable due to the presence of homologous sequence, such as pseudogenes or paralogs, in the genome. This variant has not been reported in the literature in individuals affected with PMS2-related conditions. ClinVar contains an entry for this variant (Variation ID: 838335). Invitae Evidence Modeling incorporating data from in vitro experimental studies (internal data) indicates that this missense variant is not expected to disrupt PMS2 function with a negative predictive value of 95%. In summary, the available evidence is currently insufficient to determine the role of this variant in disease. Therefore, it has been classified as a Variant of Uncertain Significance.

PreventionGenetics, part of Exact Sciences
Classification: Uncertain significance for PMS2-related condition. Last evaluated: 2022-08-25. Review status: criteria provided, single submitter. Criteria: ACMG Guidelines, 2015. Collection method: clinical testing. Allele origin: germline.
Comment: The PMS2 c.2276C>T variant is predicted to result in the amino acid substitution p.Ala759Val. To our knowledge, this variant has not been reported in the literature or in a large population database, indicating this variant is rare. At this time, the clinical significance of this variant is uncertain due to the absence of conclusive functional and genetic evidence.

Ambry Genetics
Classification: Uncertain significance for Hereditary cancer-predisposing syndrome. Last evaluated: 2021-08-26. Review status: criteria provided, single submitter. Criteria: Ambry Variant Classification Scheme 2023. Collection method: clinical testing. Allele origin: germline.
Comment: The p.A759V variant (also known as c.2276C>T) is located in coding exon 14 of the PMS2 gene. The alanine at codon 759 is replaced by valine, an amino acid with similar properties. This change occurs in the first base pair of coding exon 14. This amino acid position is highly conserved in available vertebrate species. In addition, the in silico prediction for this alteration is inconclusive. Since supporting evidence is limited at this time, the clinical significance of this alteration remains unclear.